The following is an entry in ClinVar:

ClinVar aggregate classification (germline): Pathogenic. Review status: criteria provided, single submitter (1 of 4 stars). 2 submissions from 2 submitters: Pathogenic (1). 1 of the submissions does not count toward it. Last evaluated 2025-12-31.

Conditions:
Moyamoya disease with early-onset achalasia (MYMY6). Also called: MOYAMOYA DISEASE 6 WITH OR WITHOUT ACHALASIA. Identifiers: Orphanet 401945, MedGen C3810403, MONDO:0014331, OMIM 615750.

Allele frequency attached by ClinVar (database versions not stated): ExAC 0.00001; gnomAD exomes 0.00001.

Submissions (2):

Labcorp Genetics (formerly Invitae), Labcorp
Classification: Pathogenic. Last evaluated: 2025-12-31. Review status: criteria provided, single submitter. Criteria: Invitae Variant Classification Sherloc (09022015). Collection method: clinical testing. Allele origin: germline.
Comment: This sequence change creates a premature translational stop signal (p.Arg349*) in the GUCY1A1 gene. It is expected to result in an absent or disrupted protein product. Loss-of-function variants in GUCY1A1 are known to be pathogenic (PMID: 24581742). This variant is present in population databases (rs587777321, gnomAD 0.003%). This premature translational stop signal has been observed in individual(s) with autosomal recessive Moyamoya disease (PMID: 24581742). ClinVar contains an entry for this variant (Variation ID: 127095). For these reasons, this variant has been classified as Pathogenic.

OMIM
Classification: Pathogenic for MOYAMOYA 6 WITH ACHALASIA. Last evaluated: 2014-03-06. Review status: no assertion criteria provided. Collection method: literature only. Allele origin: germline. Not counted in ClinVar's aggregate classification.

Literature cited by the submitters: PubMed 24581742 (cited by Labcorp Genetics (formerly Invitae), Labcorp and OMIM).

NM_001130682.3(GUCY1A1):c.1045C>T (p.Arg349Ter)

Gene: GUCY1A1 (guanylate cyclase 1 soluble subunit alpha 1; plus strand). Cytogenetic location: 4q32.1.
Variant type: single nucleotide variant.
Coding change: c.1045C>T on transcript NM_001130682.3 (MANE Select); coding-DNA position 1045, C replaced by T.
Protein change: p.Arg349Ter; replaces arginine 349 with a stop codon.
Molecular consequence: nonsense.
Genome position (GRCh38, 1-based): chr4:155,711,210, C>T. VCF-style: chr4-155711210-C-T. GRCh37 (hg19) VCF-style: chr4-156632362-C-T.
Other names: c.1045C>T, p.Arg349Ter (NM_000856.6, NM_001130683.4, NM_001130684.3 and 12 more transcripts); c.340C>T, p.Arg114Ter (NM_001130685.3); c.538C>T, p.Arg180Ter (NM_001379676.1); short protein forms R349*, R114*, R180*.
Identifiers: ClinVar variation 127095 (VCV000127095.4), dbSNP rs587777321, ClinGen allele CA151372.